The following is an entry in ClinVar:

NM_000053.4(ATP7B):c.3741C>A (p.His1247Gln)

Gene: ATP7B (ATPase copper transporting beta; minus strand). Cytogenetic location: 13q14.3.
Variant type: single nucleotide variant.
Coding change: c.3741C>A on transcript NM_000053.4 (MANE Select); coding-DNA position 3741, C replaced by A.
Protein change: p.His1247Gln; replaces histidine 1247 with glutamine.
Molecular consequence: missense variant.
Genome position (GRCh38, 1-based): chr13:51,937,638, G>T on the plus strand (C>A on the coding strand, the complement: ATP7B is on the minus strand). VCF-style: chr13-51937638-G-T. GRCh37 (hg19) VCF-style: chr13-52511774-G-T.
Other names: p.His1247Gln; c.3120C>A, p.His1040Gln (NM_001005918.3); c.3408C>A, p.His1136Gln (NM_001243182.2); c.3507C>A, p.His1169Gln (NM_001330578.2); c.3489C>A, p.His1163Gln (NM_001330579.2); short protein forms H1136Q, H1163Q, H1169Q, H1040Q, H1247Q.
Identifiers: ClinVar variation 1458533 (VCV001458533.9), dbSNP rs767464491, ClinGen allele CA388022381.
Genomic context (GRCh38, chr13:51,937,638, plus strand): 5'-ATCCCCCACCATGGCGACTTTCTTCCCTTTATTCTGGAGCTCCTGGACCTTGGCCACCTT[G>T]TGCGAAGGCAGCACCTCTGCAAAGACTTTGTTGATGCCAACCTAAGACAAAAGGAAGGCA-3'
Protein context (NP_000044.2, residues 1237-1257): NKVFAEVLPS[His1247Gln]KVAKVQELQN

ClinVar aggregate classification (germline): Conflicting classifications of pathogenicity. Review status: criteria provided, conflicting classifications (1 of 4 stars). 2 submissions from 2 submitters: Pathogenic (1); Uncertain significance (1). Last evaluated 2021-10-27.

Conditions:
Wilson disease (WND). Also called: Wilson's disease. Identifiers: Orphanet 905, MedGen C0019202, MONDO:0010200, OMIM 277900. Disease mechanism: loss of function.

gnomAD v4.1: 12 of 1,614,140 alleles (0.00074%); highest among the groups gnomAD compares: African/African-American, 0.0013%; no homozygotes.

Submissions (2):

Labcorp Genetics (formerly Invitae), Labcorp
Classification: Pathogenic for Wilson disease. Last evaluated: 2021-10-27. Review status: criteria provided, single submitter. Criteria: Invitae Variant Classification Sherloc (09022015). Collection method: clinical testing. Allele origin: germline.
Comment: For these reasons, this variant has been classified as Pathogenic. Advanced modeling of protein sequence and biophysical properties (such as structural, functional, and spatial information, amino acid conservation, physicochemical variation, residue mobility, and thermodynamic stability) performed at Invitae indicates that this missense variant is expected to disrupt ATP7B protein function. A different variant (c.3741C>G) giving rise to the same protein effect has been determined to be pathogenic (PMID: 31059521). This suggests that this variant is also likely to be causative of disease. This variant is not present in population databases (gnomAD no frequency). This sequence change replaces histidine, which is basic and polar, with glutamine, which is neutral and polar, at codon 1247 of the ATP7B protein (p.His1247Gln).

Mayo Clinic Laboratories, Mayo Clinic
Classification: Uncertain significance. Last evaluated: 2021-08-23. Review status: criteria provided, single submitter. Criteria: ACMG Guidelines, 2015. Collection method: clinical testing. Allele origin: germline.

Literature cited by the submitters: PubMed 31059521 (cited by Labcorp Genetics (formerly Invitae), Labcorp).